The following is an entry in ClinVar:

ClinVar aggregate classification (germline): Benign/Likely benign. Review status: criteria provided, multiple submitters, no conflicts (2 of 4 stars). 10 submissions from 9 submitters: Benign (8); Likely benign (1). 1 of the submissions does not count toward it. Last evaluated 2026-02-02.

Conditions:
Long chain 3-hydroxyacyl-CoA dehydrogenase deficiency. Also called: Deficiency of long-chain 3-hydroxyacyl-coenzyme A dehydrogenase; LCHAD Deficiency. Identifiers: Orphanet 5, MedGen C3711645, MONDO:0012173, OMIM 609016.
Mitochondrial trifunctional protein deficiency. Identifiers: Orphanet 746, MedGen C1969443, MONDO:0012172.

Allele frequency attached by ClinVar (database versions not stated): gnomAD exomes 0.00221 and 0.00592; ExAC 0.00696; gnomAD 0.02113 and 0.02277; TOPMed 0.02403; ESP Exome Variant Server 0.02437; 1000 Genomes Project 0.02556; 1000 Genomes Project 30x 0.02577.
gnomAD v4.1: 6,565 of 1,603,088 alleles (0.41%); highest among the groups gnomAD compares: African/African-American, 7.5%; 220 homozygotes.

Submissions (10):

Labcorp Genetics (formerly Invitae), Labcorp
Classification: Benign for Mitochondrial trifunctional protein deficiency; Long chain 3-hydroxyacyl-CoA dehydrogenase deficiency. Last evaluated: 2026-02-02. Review status: criteria provided, single submitter. Criteria: Invitae Variant Classification Sherloc (09022015). Collection method: clinical testing. Allele origin: germline.

Blueprint Genetics
Classification: Likely benign. Last evaluated: 2024-11-25. Review status: criteria provided, single submitter. Criteria: ACMG Guidelines, 2015. Collection method: clinical testing. Allele origin: germline.

ARUP Laboratories, Molecular Genetics and Genomics, ARUP Laboratories
Classification: Benign. Last evaluated: 2024-05-29. Review status: criteria provided, single submitter. Criteria: ARUP Molecular Germline Variant Investigation Process 2024. Collection method: clinical testing. Allele origin: germline.

Mayo Clinic Laboratories, Mayo Clinic
Classification: Benign. Last evaluated: 2022-05-05. Review status: criteria provided, single submitter. Criteria: ACMG Guidelines, 2015. Collection method: clinical testing. Allele origin: germline. Observed: 56 variant alleles.

Women's Health and Genetics/Laboratory Corporation of America, LabCorp
Classification: Benign. Last evaluated: 2020-03-23. Review status: criteria provided, single submitter. Criteria: LabCorp Variant Classification Summary - May 2015. Collection method: clinical testing. Allele origin: germline.
Comment: Variant summary: HADHA c.1392+10G>A alters a non-conserved nucleotide located close to a canonical splice site and therefore could affect mRNA splicing, leading to a significantly altered protein sequence. 4/4 computational tools predict no significant impact on normal splicing. However, these predictions have yet to be confirmed by functional studies. The variant allele was found at a frequency of 0.0059 in 251230 control chromosomes, predominantly at a frequency of 0.077 within the African or African-American subpopulation in the gnomAD database, including 45 homozygotes. The observed variant frequency within African or African-American control individuals in the gnomAD database is approximately 40 fold of the estimated maximal expected allele frequency for a pathogenic variant in HADHA causing Long Chain 3-Hydroxyacyl-CoA Dehydrogenase Deficiency phenotype (0.0019), strongly suggesting that the variant is a benign polymorphism found primarily in populations of African or African-American origin. To our knowledge, no occurrence of c.1392+10G>A in individuals affected with Long Chain 3-Hydroxyacyl-CoA Dehydrogenase Deficiency and no experimental evidence demonstrating its impact on protein function have been reported. Two ClinVar submitters (evaluation after 2014) cite the variant as benign and likely benign. Based on the evidence outlined above, the variant was classified as benign.

Illumina Laboratory Services, Illumina
Classification: Benign for Long chain 3-hydroxyacyl-CoA dehydrogenase deficiency. Last evaluated: 2018-01-13. Review status: criteria provided, single submitter. Criteria: ICSL Variant Classification Criteria 13 December 2019. Collection method: clinical testing. Allele origin: germline.
Comment: This variant was observed in the ICSL laboratory as part of a predisposition screen in an ostensibly healthy population. It had not been previously curated by ICSL or reported in the Human Gene Mutation Database (HGMD: prior to June 1st, 2018), and was therefore a candidate for classification through an automated scoring system. Utilizing variant allele frequency, disease prevalence and penetrance estimates, and inheritance mode, an automated score was calculated to assess if this variant is too frequent to cause the disease. Based on the score and internal cut-off values, a variant classified as benign is not then subjected to further curation. The score for this variant resulted in a classification of benign for this disease.

Illumina Laboratory Services, Illumina
Classification: Benign for Mitochondrial trifunctional protein deficiency 1. Last evaluated: 2018-01-13. Review status: criteria provided, single submitter. Criteria: ICSL Variant Classification Criteria 13 December 2019. Collection method: clinical testing. Allele origin: germline.
Comment: the same text as in the submission from Illumina Laboratory Services, Illumina above.

GeneDx
Classification: Benign. Last evaluated: 2014-10-06. Review status: criteria provided, single submitter. Criteria: GeneDx Variant Classification (06012015). Collection method: clinical testing. Allele origin: germline. Affected: yes.
Comment: This variant is considered likely benign or benign based on one or more of the following criteria: it is a conservative change, it occurs at a poorly conserved position in the protein, it is predicted to be benign by multiple in silico algorithms, and/or has population frequency not consistent with disease.

Breakthrough Genomics
Classification: Benign. Review status: criteria provided, single submitter. Criteria: ACMG Guidelines, 2015. Collection method: not provided. Allele origin: germline. Inheritance: Autosomal recessive inheritance. Affected: yes.

Natera, Inc.
Classification: Benign for Deficiency of long-chain 3-hydroxyacyl-coenzyme A dehydrogenase. Last evaluated: 2020-09-16. Review status: no assertion criteria provided. Collection method: clinical testing. Allele origin: germline. Not counted in ClinVar's aggregate classification.

NM_000182.5(HADHA):c.1392+10G>A

Genes: GAREM2 (GRB2 associated regulator of MAPK1 subtype 2; plus strand), HADHA (hydroxyacyl-CoA dehydrogenase trifunctional multienzyme complex subunit alpha; minus strand). Cytogenetic location: 2p23.3.
Variant type: single nucleotide variant.
Coding change: c.1392+10G>A on transcript NM_000182.5 (MANE Select); 10 bases into the intron after coding-DNA position 1392, G replaced by A.
Molecular consequence: intron variant.
Genome position (GRCh38, 1-based): chr2:26,201,139, C>T on the plus strand (G>A on the coding strand, the complement: HADHA is on the minus strand). VCF-style: chr2-26201139-C-T. GRCh37 (hg19) VCF-style: chr2-26424008-C-T.
Other names: p.?.
Identifiers: ClinVar variation 203738 (VCV000203738.31), dbSNP rs60085478, ClinGen allele CA312573.